The following is an entry in ClinVar:

ClinVar aggregate classification (germline): Uncertain significance. Review status: criteria provided, multiple submitters, no conflicts (2 of 4 stars). 2 submissions from 2 submitters: Uncertain significance (2). Last evaluated 2025-10-14.

Conditions:
FGFR2-related craniosynostosis. Identifiers: MedGen CN231480.

Allele frequency attached by ClinVar (database versions not stated): ExAC 0.00002; gnomAD 0.00004 and 0.00003; TOPMed 0.00006; gnomAD exomes 0.00001 and 0.00002; ESP Exome Variant Server 0.00015.
gnomAD v4.1: 24 of 1,614,002 alleles (0.0015%); highest among the groups gnomAD compares: African/African-American, 0.013%; no homozygotes.

Submissions (2):

Labcorp Genetics (formerly Invitae), Labcorp
Classification: Uncertain significance for FGFR2-related craniosynostosis. Last evaluated: 2025-10-14. Review status: criteria provided, single submitter. Criteria: Invitae Variant Classification Sherloc (09022015). Collection method: clinical testing. Allele origin: germline.
Comment: This sequence change replaces arginine, which is basic and polar, with glutamine, which is neutral and polar, at codon 165 of the FGFR2 protein (p.Arg165Gln). This variant is present in population databases (rs146244307, gnomAD 0.01%). This variant has not been reported in the literature in individuals affected with FGFR2-related conditions. ClinVar contains an entry for this variant (Variation ID: 1316479). Invitae Evidence Modeling of protein sequence and biophysical properties (such as structural, functional, and spatial information, amino acid conservation, physicochemical variation, residue mobility, and thermodynamic stability) indicates that this missense variant is not expected to disrupt FGFR2 protein function with a negative predictive value of 80%. In summary, the available evidence is currently insufficient to determine the role of this variant in disease. Therefore, it has been classified as a Variant of Uncertain Significance.

GeneDx
Classification: Uncertain significance. Last evaluated: 2019-10-25. Review status: criteria provided, single submitter. Criteria: GeneDx Variant Classification Process June 2021. Collection method: clinical testing. Allele origin: germline. Affected: yes.
Comment: In silico analysis, which includes protein predictors and evolutionary conservation, supports that this variant does not alter protein structure/function; Has not been previously published as pathogenic or benign to our knowledge

NM_000141.5(FGFR2):c.494G>A (p.Arg165Gln)

Gene: FGFR2 (fibroblast growth factor receptor 2; minus strand). Cytogenetic location: 10q26.13.
Variant type: single nucleotide variant.
Coding change: c.494G>A on transcript NM_000141.5 (MANE Select); coding-DNA position 494, G replaced by A.
Protein change: p.Arg165Gln; replaces arginine 165 with glutamine.
Molecular consequence: missense variant. On other transcripts: non-coding transcript variant (1).
Genome position (GRCh38, 1-based): chr10:121,551,420, C>T on the plus strand (G>A on the coding strand, the complement: FGFR2 is on the minus strand). VCF-style: chr10-121551420-C-T. GRCh37 (hg19) VCF-style: chr10-123310934-C-T.
Other names: c.494G>A, p.Arg165Gln (NM_001144913.1, NM_001144914.1, NM_001144917.2 and 2 more transcripts); c.227G>A, p.Arg76Gln (NM_001144915.2, NM_001144919.2, NM_023029.3); c.149G>A, p.Arg50Gln (NM_001144916.2, NM_001144918.2); short protein forms R165Q, R50Q, R76Q.
Identifiers: ClinVar variation 1316479 (VCV001316479.5), dbSNP rs146244307, ClinGen allele CA5721111.
Genomic context (GRCh38, chr10:121,551,420, plus strand): 5'-GGGTTCCCCCCGGCTGGGCAGCGAAACTTGACAGTGTTGGCCGCAGGCACAGCATGGAGC[C>T]GCTTTTCCATCTTTTCTGTGTTGGTCCAGTATGGTGCTCCTGTTTTGGAAAACAGTATTA-3'
Protein context (NP_000132.3, residues 155-175): YWTNTEKMEK[Arg165Gln]LHAVPAANTV